The following is an entry in ClinVar:

NM_033380.3(COL4A5):c.4549_4556del (p.Leu1516_Arg1517insTer)

Gene: COL4A5 (collagen type IV alpha 5 chain; plus strand). Cytogenetic location: Xq22.3.
Variant type: Deletion.
Coding change: c.4549_4556del on transcript NM_033380.3 (MANE Select); coding-DNA positions 4549 to 4556, 8 bases deleted (CGTCGCTT; older notation c.4549_4556delCGTCGCTT).
Protein change: p.Leu1516_Arg1517insTer.
Molecular consequence: nonsense.
Genome position (GRCh38, 1-based): chrX:108,692,768-108,692,775, CGTCGCTT deleted; deleting any 8 consecutive bases within chrX:108,692,765-108,692,775 gives the same sequence; the c. name uses the placement nearest the transcript's 3' end. VCF-style (leftmost placement, unchanged base first): chrX-108692764-CCTTCGTCG-C. GRCh37 (hg19) VCF-style: chrX-107935994-CCTTCGTCG-C.
Other names: c.4531_4538del, p.Leu1510_Arg1511insTer (NM_000495.5); c.4549_4556delCGTCGCTT (NM_033380.3).
Identifiers: ClinVar variation 4851297 (VCV004851297.1).

ClinVar aggregate classification (germline): Likely pathogenic (1 of 4 stars; one submission).

Conditions:
X-linked Alport syndrome (ATS1). Also called: NEPHROPATHY AND DEAFNESS, X-LINKED; COL4A5-Related Nephropathy. Identifiers: Orphanet 63, Orphanet 88917, MedGen C4746986, MONDO:0010520, OMIM 301050.

Submission:

Genetics laboratory, Institute of Kidney Diseases & Research Centre Dr. H.L. Trivedi Institute Of Transplantation Sciences
Classification: Likely pathogenic for X-linked Alport syndrome. Last evaluated: 2024-10-11. Review status: criteria provided, single submitter. Criteria: ACMG Guidelines, 2015. Collection method: clinical testing. Allele origin: germline. Inheritance: X-linked dominant inheritance. Affected: yes. Observed: 1 variant allele, 1 hemizygote.
Comment: The COL4A5:c.4549_4556del (p.Arg1517*) variant is classified as Likely Pathogenic according to American College of Medical Genetics and Genomics 2015 guidelines. This deletion introduces a premature stop codon, leading to a truncated protein or nonsense-mediated mRNA decay, consistent with a loss-of-function mechanism known to cause Alport syndrome. The variant is absent/rare in population databases.